The following is an entry in ClinVar:

NM_016151.4(TAOK2):c.1831G>A (p.Glu611Lys)

Gene: TAOK2 (TAO kinase 2; plus strand). Cytogenetic location: 16p11.2.
Variant type: single nucleotide variant.
Coding change: c.1831G>A on transcript NM_016151.4 (MANE Select); coding-DNA position 1831, G replaced by A.
Protein change: p.Glu611Lys; replaces glutamic acid 611 with lysine.
Molecular consequence: missense variant.
Genome position (GRCh38, 1-based): chr16:29,985,700, G>A. VCF-style: chr16-29985700-G-A. GRCh37 (hg19) VCF-style: chr16-29997021-G-A.
Other names: c.1831G>A, p.Glu611Lys (NM_001252043.2, NM_004783.4); short protein forms E611K.
Identifiers: ClinVar variation 3667478 (VCV003667478.2).

ClinVar aggregate classification (germline): Uncertain significance (1 of 4 stars; one submission).

Submission:

Labcorp Genetics (formerly Invitae), Labcorp
Classification: Uncertain significance. Last evaluated: 2024-02-16. Review status: criteria provided, single submitter. Criteria: Invitae Variant Classification Sherloc (09022015). Collection method: clinical testing. Allele origin: germline.
Comment: This sequence change replaces glutamic acid, which is acidic and polar, with lysine, which is basic and polar, at codon 611 of the TAOK2 protein (p.Glu611Lys). This variant is not present in population databases (gnomAD no frequency). This variant has not been reported in the literature in individuals affected with TAOK2-related conditions. An algorithm developed to predict the effect of missense changes on protein structure and function (PolyPhen-2) suggests that this variant is likely to be tolerated. In summary, the available evidence is currently insufficient to determine the role of this variant in disease. Therefore, it has been classified as a Variant of Uncertain Significance.